The following is an entry in ClinVar:

ClinVar aggregate classification (germline): Conflicting classifications of pathogenicity. Review status: criteria provided, conflicting classifications (1 of 4 stars). 8 submissions from 8 submitters: Uncertain significance (6); Likely benign (1). 1 of the submissions does not count toward it. Last evaluated 2025-12-12.

Conditions:
Familial cancer of breast. Also called: BREAST CANCER, FAMILIAL; Hereditary breast cancer; hereditary breast carcinoma. Identifiers: Orphanet 227535, MedGen C0346153, MONDO:0016419, OMIM 114480. Disease mechanism: loss of function.
Fanconi anemia complementation group N. Also called: PALB2-Related Fanconi Anemia. Identifiers: Orphanet 84, MedGen C1835817, MONDO:0012565, OMIM 610832. Disease mechanism: loss of function.
Pancreatic cancer, susceptibility to, 3. Identifiers: Orphanet 1333, MedGen C3150547, MONDO:0013236, OMIM 613348.
Hereditary cancer-predisposing syndrome. Also called: Hereditary Cancer Syndrome; Neoplastic Syndromes, Hereditary; Tumor predisposition; Hereditary neoplastic syndrome. Identifiers: Orphanet 140162, MedGen C0027672, MeSH D009386, MONDO:0015356.

Allele frequency attached by ClinVar (database versions not stated): gnomAD exomes 0.00001 and 0.00002; TOPMed 0.00002.

Submissions (8):

Labcorp Genetics (formerly Invitae), Labcorp
Classification: Uncertain significance for Familial cancer of breast. Last evaluated: 2025-12-12. Review status: criteria provided, single submitter. Criteria: Invitae Variant Classification Sherloc (09022015). Collection method: clinical testing. Allele origin: germline.
Comment: This sequence change replaces serine, which is neutral and polar, with glycine, which is neutral and non-polar, at codon 1082 of the PALB2 protein (p.Ser1082Gly). This variant is present in population databases (rs786203345, gnomAD 0.01%). This variant has not been reported in the literature in individuals affected with PALB2-related conditions. ClinVar contains an entry for this variant (Variation ID: 186946). An algorithm developed to predict the effect of missense changes on protein structure and function (PolyPhen-2) suggests that this variant is likely to be tolerated. RNA analysis performed to evaluate the impact of this missense change on mRNA splicing indicates it does not significantly alter splicing (internal data). In summary, the available evidence is currently insufficient to determine the role of this variant in disease. Therefore, it has been classified as a Variant of Uncertain Significance.

Ambry Genetics
Classification: Uncertain significance for Hereditary cancer-predisposing syndrome. Last evaluated: 2025-03-25. Review status: criteria provided, single submitter. Criteria: Ambry Variant Classification Scheme 2023. Collection method: clinical testing. Allele origin: germline.
Comment: The p.S1082G variant (also known as c.3244A>G), located in coding exon 12 of the PALB2 gene, results from an A to G substitution at nucleotide position 3244. The serine at codon 1082 is replaced by glycine, an amino acid with similar properties. This amino acid position is not well conserved in available vertebrate species. In addition, this alteration is predicted to be tolerated by in silico analysis. Based on the available evidence, the clinical significance of this variant remains unclear.

Quest Diagnostics Nichols Institute San Juan Capistrano
Classification: Uncertain significance. Last evaluated: 2025-02-19. Review status: criteria provided, single submitter. Criteria: Quest Diagnostics criteria. Collection method: clinical testing. Allele origin: unknown.
Comment: The PALB2 c.3244A>G (p.Ser1082Gly) variant has been reported in the published literature in an individual with breast cancer (PMID: 25186627 (2015)) and in a reportedly healthy individual (PMID: 32906206 (2020), see also LOVD). A published splicing study indicates that this variant is not damaging to normal RNA splicing (PMID: 39518003 (2024)). The frequency of this variant in the general population (Genome Aggregation Database) is uninformative in the assessment of its pathogenicity. Analysis of this variant using bioinformatics tools for the prediction of the effect of amino acid changes on protein structure and function yielded predictions that this variant is benign. Based on the available information, we are unable to determine the clinical significance of this variant.

Myriad Genetics, Inc.
Classification: Likely benign for Familial cancer of breast. Last evaluated: 2025-01-21. Review status: criteria provided, single submitter. Criteria: Myriad Autosomal Dominant, Autosomal Recessive and X-Linked Classification Criteria (2023). Collection method: clinical testing. Allele origin: unknown.
Comment: This variant is considered likely benign. This variant is strongly associated with less severe personal and family histories of cancer, typical for individuals without pathogenic variants in this gene [PMID: 25085752].

Baylor Genetics
Classification: Uncertain significance for Familial cancer of breast. Last evaluated: 2023-10-26. Review status: criteria provided, single submitter. Criteria: ACMG Guidelines, 2015. Collection method: clinical testing. Allele origin: unknown.

Color Diagnostics, LLC DBA Color Health
Classification: Uncertain significance for Hereditary cancer-predisposing syndrome. Last evaluated: 2022-09-26. Review status: criteria provided, single submitter. Criteria: ACMG Guidelines, 2015. Collection method: clinical testing. Allele origin: germline.
Comment: This missense variant replaces serine with glycine at codon 1082 of the PALB2 protein. Computational prediction suggests that this variant may not impact protein structure and function (internally defined REVEL score threshold <= 0.5, PMID: 27666373). To our knowledge, functional studies have not been reported for this variant. This variant has been reported in an individual affected breast cancer (PMID: 25186627). This variant has been identified in 5/251472 chromosomes in the general population by the Genome Aggregation Database (gnomAD). The available evidence is insufficient to determine the role of this variant in disease conclusively. Therefore, this variant is classified as a Variant of Uncertain Significance.

Fulgent Genetics
Classification: Uncertain significance for Familial cancer of breast; Fanconi anemia complementation group N; Pancreatic cancer, susceptibility to, 3. Last evaluated: 2021-12-10. Review status: criteria provided, single submitter. Criteria: ACMG Guidelines, 2015. Collection method: clinical testing. Allele origin: unknown.

Leiden Open Variation Database
Classification: Uncertain significance for Familial cancer of breast. Last evaluated: 2019-05-13. Review status: no assertion criteria provided. Collection method: curation. Allele origin: germline. Affected: yes. Not counted in ClinVar's aggregate classification.
Comment: Curators: Marc Tischkowitz, Arleen D. Auerbach. Submitter to LOVD: Marc Tischkowitz.

Literature cited by the submitters: PubMed 25186627 (cited by 4 submitters); PubMed 32906206 (cited by Quest Diagnostics Nichols Institute San Juan Capistrano); PubMed 39518003 (cited by Quest Diagnostics Nichols Institute San Juan Capistrano); PubMed 25085752 (cited by Myriad Genetics, Inc.).

NM_024675.4(PALB2):c.3244A>G (p.Ser1082Gly)

Gene: PALB2 (partner and localizer of BRCA2; minus strand). Cytogenetic location: 16p12.2.
Variant type: single nucleotide variant.
Coding change: c.3244A>G on transcript NM_024675.4 (MANE Select); coding-DNA position 3244, A replaced by G.
Protein change: p.Ser1082Gly; replaces serine 1082 with glycine.
Molecular consequence: missense variant.
Genome position (GRCh38, 1-based): chr16:23,607,970, T>C on the plus strand (A>G on the coding strand, the complement: PALB2 is on the minus strand). VCF-style: chr16-23607970-T-C. GRCh37 (hg19) VCF-style: chr16-23619291-T-C.
Other names: short protein forms S1082G.
Identifiers: ClinVar variation 186946 (VCV000186946.27), dbSNP rs786203345, ClinGen allele CA196312.